The following is an entry in ClinVar:

NM_001303256.3(MORC2):c.1129C>T (p.Arg377Trp)

Gene: MORC2 (MORC family CW-type zinc finger 2; minus strand). Cytogenetic location: 22q12.2.
Variant type: single nucleotide variant.
Coding change: c.1129C>T on transcript NM_001303256.3 (MANE Select); coding-DNA position 1129, C replaced by T.
Protein change: p.Arg377Trp; replaces arginine 377 with tryptophan.
Molecular consequence: missense variant.
Genome position (GRCh38, 1-based): chr22:30,938,150, G>A on the plus strand (C>T on the coding strand, the complement: MORC2 is on the minus strand). VCF-style: chr22-30938150-G-A. GRCh37 (hg19) VCF-style: chr22-31334137-G-A.
Other names: c.1129C>T, p.Arg377Trp (NM_001303257.2); c.943C>T, p.Arg315Trp (NM_014941.3); short protein forms R315W, R377W.
Identifiers: ClinVar variation 1727687 (VCV001727687.7), dbSNP rs2040683969, ClinGen allele CA411239426.

ClinVar aggregate classification (germline): Uncertain significance. Review status: criteria provided, multiple submitters, no conflicts (2 of 4 stars). 2 submissions from 2 submitters: Uncertain significance (2). Last evaluated 2024-05-16.

Conditions:
Charcot-Marie-Tooth disease axonal type 2Z. Also called: CHARCOT-MARIE-TOOTH DISEASE, AXONAL, AUTOSOMAL DOMINANT, TYPE 2Z; CHARCOT-MARIE-TOOTH NEUROPATHY, TYPE 2Z. Identifiers: Orphanet 466768, MedGen C5569025, MONDO:0014736, OMIM 616688.
Inborn genetic diseases. Identifiers: MedGen C0950123, MeSH D030342.

Allele frequency attached by ClinVar (database versions not stated): TOPMed below 0.00001.

Submissions (2):

Labcorp Genetics (formerly Invitae), Labcorp
Classification: Uncertain significance for Charcot-Marie-Tooth disease axonal type 2Z. Last evaluated: 2024-05-16. Review status: criteria provided, single submitter. Criteria: Invitae Variant Classification Sherloc (09022015). Collection method: clinical testing. Allele origin: germline.
Comment: This sequence change replaces arginine, which is basic and polar, with tryptophan, which is neutral and slightly polar, at codon 377 of the MORC2 protein (p.Arg377Trp). This variant is not present in population databases (gnomAD no frequency). This variant has not been reported in the literature in individuals affected with MORC2-related conditions. ClinVar contains an entry for this variant (Variation ID: 1727687). Advanced modeling of protein sequence and biophysical properties (such as structural, functional, and spatial information, amino acid conservation, physicochemical variation, residue mobility, and thermodynamic stability) performed at Invitae indicates that this missense variant is expected to disrupt MORC2 protein function with a positive predictive value of 95%. In summary, the available evidence is currently insufficient to determine the role of this variant in disease. Therefore, it has been classified as a Variant of Uncertain Significance.

Ambry Genetics
Classification: Uncertain significance for Inborn genetic diseases. Last evaluated: 2020-10-20. Review status: criteria provided, single submitter. Criteria: Ambry Variant Classification Scheme 2023. Collection method: clinical testing. Allele origin: germline.
Comment: The p.R377W variant (also known as c.1129C>T), located in coding exon 13 of the MORC2 gene, results from a C to T substitution at nucleotide position 1129. The arginine at codon 377 is replaced by tryptophan, an amino acid with dissimilar properties. In addition, the in silico prediction for this alteration is inconclusive. Since supporting evidence is limited at this time, the clinical significance of this alteration remains unclear.